The following is an entry in ClinVar:

ClinVar aggregate classification (germline): Uncertain significance (1 of 4 stars; one submission).

Conditions:
Thrombomodulin-related bleeding disorder (THPH12). Also called: Thrombophilia due to thrombomodulin defect. Identifiers: Orphanet 436169, MedGen C3280976, MONDO:0013775, OMIM 614486.

Submission:

Genomenon, Inc
Classification: Uncertain significance for Thrombomodulin-related bleeding disorder. Last evaluated: 2025-09-22. Review status: criteria provided, single submitter. Criteria: Genomenon Sequence Variant Interpretation Standards - Updated. Collection method: curation. Allele origin: germline. Affected: no.
Comment: THBD p.Gly241Asp (c.722G>A) is a missense variant that changes the amino acid at residue 241 from Glycine to Aspartic acid. This variant has been reported in the published literature (PMID:34970867). It is absent or not present at a significant frequency in gnomAD. In conclusion, we classify THBD p.Gly241Asp (c.722G>A) as a variant of unknown significance.

Literature cited by the submitters: PubMed 34970867.

NM_000361.3(THBD):c.722G>A (p.Gly241Asp)

Gene: THBD (thrombomodulin; minus strand). Cytogenetic location: 20p11.21.
Variant type: single nucleotide variant.
Coding change: c.722G>A on transcript NM_000361.3 (MANE Select); coding-DNA position 722, G replaced by A.
Protein change: p.Gly241Asp; replaces glycine 241 with aspartic acid.
Molecular consequence: missense variant.
Genome position (GRCh38, 1-based): chr20:23,048,783, C>T on the plus strand (G>A on the coding strand, the complement: THBD is on the minus strand). VCF-style: chr20-23048783-C-T. GRCh37 (hg19) VCF-style: chr20-23029420-C-T.
Other names: short protein forms G241D.
Identifiers: ClinVar variation 4280576 (VCV004280576.1).